The following is an entry in ClinVar:

ClinVar aggregate classification (germline): Pathogenic (1 of 4 stars; one submission).

Conditions:
LAMA2-related muscular dystrophy (LAMA2-RD). Also called: Laminin alpha 2-related dystrophy. Identifiers: MedGen C5679788, MONDO:0100228.

Submission:

Myriad Genetics, Inc.
Classification: Pathogenic for LAMA2-related muscular dystrophy. Last evaluated: 2025-04-19. Review status: criteria provided, single submitter. Criteria: Myriad Autosomal Dominant, Autosomal Recessive and X-Linked Classification Criteria (2023). Collection method: clinical testing. Allele origin: unknown.
Comment: NM_000426.3(LAMA2):c.6866delA(K2289Rfs*8) is expected to be pathogenic in the context of muscular dystrophy, LAMA2-related. This variant is predicted to lead to an abnormal or absent protein product due to the creation of a premature termination codon in LAMA2, a gene where loss-of-function variants are known to be pathogenic. Please note: this variant was assessed in the context of healthy population screening.

NM_000426.4(LAMA2):c.6866del (p.Lys2289fs)

Gene: LAMA2 (laminin subunit alpha 2; plus strand). Cytogenetic location: 6q22.33.
Variant type: Deletion.
Coding change: c.6866del on transcript NM_000426.4 (MANE Select); coding-DNA position 6866, one base deleted (A; older notation c.6866delA).
Protein change: p.Lys2289fs; shifts the reading frame from lysine 2289.
Molecular consequence: frameshift variant.
Genome position (GRCh38, 1-based): chr6:129,456,493, A deleted; the last of 3 consecutive A bases (chr6:129,456,491-129,456,493); deleting any one gives the same sequence. VCF-style (leftmost placement, unchanged base first): chr6-129456490-TA-T. GRCh37 (hg19) VCF-style: chr6-129777635-TA-T.
Other names: c.6866del, p.Lys2289fs (NM_001079823.2); short protein forms K2289fs.
Identifiers: ClinVar variation 5014343 (VCV005014343.1).
Genomic context (GRCh38, chr6:129,456,490, plus strand): 5'-ACACGATTCTAGATGTGGATGCAAATGCAATGCTGTTTGTTGGTGGCCTGACTGGGAAAT[TA>T]AAGGTAATGTGTTCATCCTCCTCCTGTTTATTTCATCTTTGTTGACATCTCCTGACATAA-3'